The following is an entry in ClinVar:

ClinVar aggregate classification (germline): Uncertain significance. Review status: criteria provided, multiple submitters, no conflicts (2 of 4 stars). 2 submissions from 2 submitters: Uncertain significance (2). Last evaluated 2026-01-27.

Conditions:
Gastrointestinal stromal tumor. Also called: Gastrointestinal stroma tumor; Gastrointestinal stromal tumor, somatic. Identifiers: Orphanet 44890, MedGen C0238198, MeSH D046152, MONDO:0011719, OMIM 606764, HP:0100723.
Hereditary cancer-predisposing syndrome. Also called: Tumor predisposition; Hereditary neoplastic syndrome; Neoplastic Syndromes, Hereditary; Hereditary Cancer Syndrome. Identifiers: Orphanet 140162, MedGen C0027672, MeSH D009386, MONDO:0015356.

Allele frequency attached by ClinVar (database versions not stated): TOPMed below 0.00001.

Submissions (2):

Labcorp Genetics (formerly Invitae), Labcorp
Classification: Uncertain significance for Gastrointestinal stromal tumor. Last evaluated: 2026-01-27. Review status: criteria provided, single submitter. Criteria: Invitae Variant Classification Sherloc (09022015). Collection method: clinical testing. Allele origin: germline.
Comment: This sequence change falls in intron 4 of the PDGFRA gene. It does not directly change the encoded amino acid sequence of the PDGFRA protein. It affects a nucleotide within the consensus splice site. This variant is not present in population databases (gnomAD no frequency). This variant has not been reported in the literature in individuals affected with PDGFRA-related conditions. ClinVar contains an entry for this variant (Variation ID: 459113). Variants that disrupt the consensus splice site are a relatively common cause of aberrant splicing (PMID: 17576681, 9536098). Algorithms developed to predict the effect of sequence changes on RNA splicing suggest that this variant may disrupt the consensus splice site. In summary, the available evidence is currently insufficient to determine the role of this variant in disease. Therefore, it has been classified as a Variant of Uncertain Significance.

Ambry Genetics
Classification: Uncertain significance for Hereditary cancer-predisposing syndrome. Last evaluated: 2025-07-22. Review status: criteria provided, single submitter. Criteria: Ambry Variant Classification Scheme 2023. Collection method: clinical testing. Allele origin: germline.
Comment: The c.628+3A>G intronic variant results from an A to G substitution 3 nucleotides after coding exon 3 in the PDGFRA gene. This nucleotide position is well conserved in available vertebrate species. In silico splice site analysis predicts that this alteration may weaken the native splice donor site. Based on the available evidence, the clinical significance of this variant remains unclear.

Literature cited by the submitters: PubMed 17576681 (cited by Labcorp Genetics (formerly Invitae), Labcorp); PubMed 9536098 (cited by Labcorp Genetics (formerly Invitae), Labcorp).

NM_006206.6(PDGFRA):c.628+3A>G

Gene: PDGFRA (platelet derived growth factor receptor alpha; plus strand). Cytogenetic location: 4q12.
Variant type: single nucleotide variant.
Coding change: c.628+3A>G on transcript NM_006206.6 (MANE Select); 3 bases into the intron after coding-DNA position 628, A replaced by G.
Molecular consequence: intron variant.
Genome position (GRCh38, 1-based): chr4:54,263,930, A>G. VCF-style: chr4-54263930-A-G. GRCh37 (hg19) VCF-style: chr4-55130097-A-G.
Other names: c.703+3A>G (NM_001347828.2); c.628+3A>G (NM_001347827.2, NM_001347829.2); c.667+3A>G (NM_001347830.2).
Identifiers: ClinVar variation 459113 (VCV000459113.11), dbSNP rs1553902759, ClinGen allele CA356890245.